The following is an entry in ClinVar:

NM_018993.4(RIN2):c.427C>T (p.Pro143Ser)

Gene: RIN2 (Ras and Rab interactor 2; plus strand). Cytogenetic location: 20p11.23.
Variant type: single nucleotide variant.
Coding change: c.427C>T on transcript NM_018993.4 (MANE Select); coding-DNA position 427, C replaced by T.
Protein change: p.Pro143Ser; replaces proline 143 with serine.
Molecular consequence: missense variant. On other transcripts: 5 prime UTR variant (1).
Genome position (GRCh38, 1-based): chr20:19,960,775, C>T. VCF-style: chr20-19960775-C-T. GRCh37 (hg19) VCF-style: chr20-19941419-C-T.
Other names: c.574C>T, p.Pro192Ser (NM_001242581.2); c.-119C>T (NM_001378238.1); short protein forms P143S, P192S.
Identifiers: ClinVar variation 389389 (VCV000389389.36), dbSNP rs45488002, ClinGen allele CA9779820.

ClinVar aggregate classification (germline): Benign. Review status: criteria provided, multiple submitters, no conflicts (2 of 4 stars). 4 submissions from 4 submitters: Benign (4). Last evaluated 2026-09-01.

Allele frequency attached by ClinVar (database versions not stated): 1000 Genomes Project 0.00280; 1000 Genomes Project 30x 0.00312; TOPMed 0.00874; ESP Exome Variant Server 0.00931; gnomAD exomes 0.00933; gnomAD 0.00943 and 0.00966; ExAC 0.01691.
gnomAD v4.1: 17,579 of 1,601,884 alleles (1.1%); highest among the groups gnomAD compares: Non-Finnish European, 1.3%; 143 homozygotes.

Submissions (4):

CeGaT Center for Human Genetics Tuebingen
Classification: Benign. Last evaluated: 2026-09-01. Review status: criteria provided, single submitter. Criteria: CeGaT Center For Human Genetics Tuebingen Variant Classification Criteria Version 2. Collection method: clinical testing. Allele origin: germline. Affected: yes. Observed: 33 variant alleles.
Comment: RIN2: BP4, BS1, BS2

Labcorp Genetics (formerly Invitae), Labcorp
Classification: Benign. Last evaluated: 2026-02-02. Review status: criteria provided, single submitter. Criteria: Invitae Variant Classification Sherloc (09022015). Collection method: clinical testing. Allele origin: germline.

GeneDx
Classification: Benign. Last evaluated: 2018-04-27. Review status: criteria provided, single submitter. Criteria: GeneDx Variant Classification Process June 2021. Collection method: clinical testing. Allele origin: germline. Affected: yes.

Breakthrough Genomics
Classification: Benign. Review status: criteria provided, single submitter. Criteria: ACMG Guidelines, 2015. Collection method: not provided. Allele origin: germline. Inheritance: Autosomal recessive inheritance. Affected: yes.